The following is an entry in ClinVar:

NM_000051.4(ATM):c.8851-4_8852del

Genes: C11orf65 (chromosome 11 open reading frame 65; minus strand), ATM (ATM serine/threonine kinase; plus strand). Cytogenetic location: 11q22.3.
Variant type: Deletion.
Coding change: c.8851-4_8852del on transcript NM_000051.4 (MANE Select); 4 bases into the intron before coding-DNA position 8851 through coding-DNA position 8852, 6 bases deleted (TTAGGT; older notation c.8851-4_8852delTTAGGT).
Molecular consequence: splice acceptor variant. On other transcripts: intron variant (2).
Genome position (GRCh38, 1-based): chr11:108,365,078-108,365,083, TTAGGT deleted; deleting any 6 consecutive bases within chr11:108,365,076-108,365,083 gives the same sequence; the c. name uses the placement nearest the transcript's 3' end. VCF-style (leftmost placement, unchanged base first): chr11-108365075-TGTTTAG-T. GRCh37 (hg19) VCF-style: chr11-108235802-TGTTTAG-T.
Other names: c.8851-4_8852del (NM_001351834.2); c.640+20839_640+20844del (NM_001330368.2); c.694+20839_694+20844del (NM_001351110.2).
Identifiers: ClinVar variation 948422 (VCV000948422.13), dbSNP rs2091196613, ClinGen allele CA1139662286.

ClinVar aggregate classification (germline): Likely pathogenic. Review status: criteria provided, multiple submitters, no conflicts (2 of 4 stars). 4 submissions from 4 submitters: Likely pathogenic (4). Last evaluated 2026-01-19.

Conditions:
Familial cancer of breast. Also called: Hereditary breast cancer; hereditary breast carcinoma; BREAST CANCER, FAMILIAL. Identifiers: Orphanet 227535, MedGen C0346153, MONDO:0016419, OMIM 114480. Disease mechanism: loss of function.
Ataxia-telangiectasia syndrome (AT). Also called: Ataxia-telangiectasia, complementation group D; AT, COMPLEMENTATION GROUP C; ATAXIA-TELANGIECTASIA, COMPLEMENTATION GROUP A; ATAXIA-TELANGIECTASIA, FRESNO VARIANT; Ataxia-telangiectasia; Ataxia telangiectasia (A-T). Identifiers: Orphanet 100, MedGen C0004135, MONDO:0008840, OMIM 208900.

Submissions (4):

Labcorp Genetics (formerly Invitae), Labcorp
Classification: Likely pathogenic for Ataxia-telangiectasia syndrome. Last evaluated: 2026-01-19. Review status: criteria provided, single submitter. Criteria: Invitae Variant Classification Sherloc (09022015). Collection method: clinical testing. Allele origin: germline.
Comment: This variant results in the deletion of part of exon 62 (c.8851-4_8852del) of the ATM gene. It is expected to disrupt RNA splicing. Variants that disrupt the donor or acceptor splice site typically lead to a loss of protein function (PMID: 16199547), and loss-of-function variants in ATM are known to be pathogenic (PMID: 23807571, 25614872). This variant is not present in population databases (gnomAD no frequency). This variant has not been reported in the literature in individuals affected with ATM-related conditions. ClinVar contains an entry for this variant (Variation ID: 948422). In summary, the currently available evidence indicates that the variant is pathogenic, but additional data are needed to prove that conclusively. Therefore, this variant has been classified as Likely Pathogenic.

Myriad Genetics, Inc.
Classification: Likely pathogenic for Familial cancer of breast. Last evaluated: 2023-01-13. Review status: criteria provided, single submitter. Criteria: Myriad Autosomal Dominant, Autosomal Recessive and X-Linked Classification Criteria (2023). Collection method: clinical testing. Allele origin: unknown.
Comment: This variant is considered likely pathogenic. This variant occurs within a consensus splice junction and is predicted to result in abnormal mRNA splicing of either an out-of-frame exon or an in-frame exon necessary for protein stability and/or normal function.

Baylor Genetics
Classification: Likely pathogenic for Familial cancer of breast. Last evaluated: 2021-10-27. Review status: criteria provided, single submitter. Criteria: ACMG Guidelines, 2015. Collection method: clinical testing. Allele origin: unknown.

Juno Genomics, Hangzhou Juno Genomics, Inc
Classification: Likely pathogenic for Familial cancer of breast; Ataxia-telangiectasia syndrome. Review status: criteria provided, single submitter. Criteria: ACMG Guidelines, 2015. Collection method: clinical testing. Allele origin: germline.
Comment: Null variant in a gene where loss of function (LOF) is a known mechanism of disease.;Absent from controls (or at extremely low frequency if recessive) in Genome Aggregation Database.

Literature cited by the submitters: PubMed 16199547 (cited by Labcorp Genetics (formerly Invitae), Labcorp); PubMed 23807571 (cited by Labcorp Genetics (formerly Invitae), Labcorp); PubMed 25614872 (cited by Labcorp Genetics (formerly Invitae), Labcorp).